The following is an entry in ClinVar:

NM_001358530.2(MOCS1):c.575G>A (p.Arg192His)

Gene: MOCS1 (molybdenum cofactor synthesis 1; minus strand). Cytogenetic location: 6p21.2.
Variant type: single nucleotide variant.
Coding change: c.575G>A on transcript NM_001358530.2 (MANE Select); coding-DNA position 575, G replaced by A.
Protein change: p.Arg192His; replaces arginine 192 with histidine.
Molecular consequence: missense variant. On other transcripts: non-coding transcript variant (1).
Genome position (GRCh38, 1-based): chr6:39,916,076, C>T on the plus strand (G>A on the coding strand, the complement: MOCS1 is on the minus strand). VCF-style: chr6-39916076-C-T. GRCh37 (hg19) VCF-style: chr6-39883820-C-T.
Other names: c.575G>A, p.Arg192His (NM_001075098.4, NM_001358529.2, NM_005943.6); c.314G>A, p.Arg105His (NM_001358531.2, NM_001358533.2, NM_001358534.2); short protein forms R105H, R192H.
Identifiers: ClinVar variation 1311371 (VCV001311371.9), dbSNP rs564888351, ClinGen allele CA3796249.
Genomic context (GRCh38, chr6:39,916,076, plus strand): 5'-CAGCTATGTGCAGGCCCTGGGAGGGACACCCACCCCATCCACATCCGCTCACCTTTCCTG[C>T]GGACAATGAACTCAAACTTGGCAGGCACCAGGGTGTCCAGGCTGATGTTGATGGCACTGA-3'
Protein context (NP_001345459.1, residues 182-202): LVPAKFEFIV[Arg192His]RKGFHKVMEG

ClinVar aggregate classification (germline): Uncertain significance. Review status: criteria provided, multiple submitters, no conflicts (2 of 4 stars). 4 submissions from 4 submitters: Uncertain significance (4). Last evaluated 2025-02-28.

Conditions:
Sulfite oxidase deficiency due to molybdenum cofactor deficiency type A. Also called: Molybdenum cofactor deficiency, complementation group A; Molybdenum Cofactor Deficiency A. Identifiers: Orphanet 308386, Orphanet 833, MedGen C1854988, MONDO:0009643, OMIM 252150.
Inborn genetic diseases. Identifiers: MedGen C0950123, MeSH D030342.

Allele frequency attached by ClinVar (database versions not stated): TOPMed 0.00003; gnomAD 0.00004; ExAC 0.00005; gnomAD exomes 0.00005 and 0.00014; 1000 Genomes Project 30x 0.00016; 1000 Genomes Project 0.00020.
gnomAD v4.1: 201 of 1,608,470 alleles (0.012%); highest among the groups gnomAD compares: Non-Finnish European, 0.016%; no homozygotes.

Submissions (4):

Ambry Genetics
Classification: Uncertain significance for Inborn genetic diseases. Last evaluated: 2025-02-28. Review status: criteria provided, single submitter. Criteria: Ambry Variant Classification Scheme 2023. Collection method: clinical testing. Allele origin: germline.

Fulgent Genetics
Classification: Uncertain significance for Sulfite oxidase deficiency due to molybdenum cofactor deficiency type A. Last evaluated: 2024-04-08. Review status: criteria provided, single submitter. Criteria: ACMG Guidelines, 2015. Collection method: clinical testing. Allele origin: germline.

Labcorp Genetics (formerly Invitae), Labcorp
Classification: Uncertain significance for Sulfite oxidase deficiency due to molybdenum cofactor deficiency type A. Last evaluated: 2022-08-08. Review status: criteria provided, single submitter. Criteria: Invitae Variant Classification Sherloc (09022015). Collection method: clinical testing. Allele origin: germline.
Comment: This sequence change replaces arginine, which is basic and polar, with histidine, which is basic and polar, at codon 192 of the MOCS1 protein (p.Arg192His). This variant is present in population databases (rs564888351, gnomAD 0.01%). This variant has not been reported in the literature in individuals affected with MOCS1-related conditions. ClinVar contains an entry for this variant (Variation ID: 1311371). Algorithms developed to predict the effect of missense changes on protein structure and function are either unavailable or do not agree on the potential impact of this missense change (SIFT: "Not Available"; PolyPhen-2: "Probably Damaging"; Align-GVGD: "Not Available"). In summary, the available evidence is currently insufficient to determine the role of this variant in disease. Therefore, it has been classified as a Variant of Uncertain Significance.

GeneDx
Classification: Uncertain significance. Last evaluated: 2019-12-16. Review status: criteria provided, single submitter. Criteria: GeneDx Variant Classification Process June 2021. Collection method: clinical testing. Allele origin: germline. Affected: yes.
Comment: Not observed at a significant frequency in large population cohorts (Lek et al., 2016); In silico analysis, which includes protein predictors and evolutionary conservation, supports a deleterious effect; Has not been previously published as pathogenic or benign to our knowledge